The following is an entry in ClinVar:

ClinVar aggregate classification (germline): Likely benign (1 of 4 stars; one submission).

Conditions:
Pheochromocytoma/paraganglioma syndrome 3. Also called: GLOMUS TUMORS, FAMILIAL, 3; Paragangliomas 3; SDHC-Related Hereditary Paraganglioma-Pheochromocytoma Syndrome (Paragangliomas 3); SDHC-Related Hereditary Paraganglioma-Pheochromocytoma Syndrome. Identifiers: Orphanet 29072, MedGen C1854336, MONDO:0011544, OMIM 605373.

gnomAD v4.1: 1 of 1,604,044 alleles (0.000062%); no homozygotes.

Submission:

Myriad Genetics, Inc.
Classification: Likely benign for Pheochromocytoma/paraganglioma syndrome 3. Last evaluated: 2025-03-17. Review status: criteria provided, single submitter. Criteria: Myriad Autosomal Dominant, Autosomal Recessive and X-Linked Classification Criteria (2023). Collection method: clinical testing. Allele origin: unknown.
Comment: This variant is considered likely benign. This variant is intronic and is not expected to impact mRNA splicing.

NM_003001.5(SDHC):c.406-14T>C

Gene: SDHC (succinate dehydrogenase complex subunit C; plus strand). Cytogenetic location: 1q23.3.
Variant type: single nucleotide variant.
Coding change: c.406-14T>C on transcript NM_003001.5 (MANE Select); 14 bases into the intron before coding-DNA position 406, T replaced by C.
Molecular consequence: intron variant.
Genome position (GRCh38, 1-based): chr1:161,362,315, T>C. VCF-style: chr1-161362315-T-C. GRCh37 (hg19) VCF-style: chr1-161332105-T-C.
Other names: c.295-14T>C (NM_001407119.1, NM_001407120.1); c.526-14T>C (NM_001407115.1); c.242-14T>C (NM_001035511.3); c.304-14T>C (NM_001035512.3); c.140-14T>C (NM_001278172.3); c.298-14T>C (NM_001407118.1); c.349-14T>C (NM_001407116.1); c.185-14T>C (NM_001407121.1); and 2 more.
Identifiers: ClinVar variation 3904373 (VCV003904373.1).